The following is an entry in ClinVar:

NM_005726.6(TSFM):c.122C>T (p.Ser41Phe)

Gene: TSFM (Ts translation elongation factor, mitochondrial; plus strand). Cytogenetic location: 12q14.1.
Variant type: single nucleotide variant.
Coding change: c.122C>T on transcript NM_005726.6 (MANE Select); coding-DNA position 122, C replaced by T.
Protein change: p.Ser41Phe; replaces serine 41 with phenylalanine.
Molecular consequence: missense variant.
Genome position (GRCh38, 1-based): chr12:57,783,174, C>T. VCF-style: chr12-57783174-C-T. GRCh37 (hg19) VCF-style: chr12-58176957-C-T.
Other names: c.122C>T, p.Ser41Phe (NM_001172695.2, NM_001172696.2, NM_001172697.2); short protein forms S41F.
Identifiers: ClinVar variation 2176942 (VCV002176942.1), dbSNP rs1410403452, ClinGen allele CA385523528.
Genomic context (GRCh38, chr12:57,783,174, plus strand): 5'-GGTCTCTTCTGCGTCAGTCGCCCCAGCCAAGGCACACATTTTATGCTGGGCCCCGTCTGT[C>T]TGCCTCGGCCTCCAGCAAGGAGCTCCTCATGAAGCTGCGGCGGAAAACAGGCTACTCCTT-3'
Protein context (NP_005717.3, residues 31-51): RHTFYAGPRL[Ser41Phe]ASASSKELLM

ClinVar aggregate classification (germline): Uncertain significance (1 of 4 stars; one submission).

Allele frequency attached by ClinVar (database versions not stated): TOPMed below 0.00001; gnomAD 0.00001.
gnomAD v4.1: 14 of 1,613,472 alleles (0.00087%); highest among the groups gnomAD compares: Non-Finnish European, 0.0012%; no homozygotes.

Submission:

Labcorp Genetics (formerly Invitae), Labcorp
Classification: Uncertain significance. Last evaluated: 2021-09-24. Review status: criteria provided, single submitter. Criteria: Invitae Variant Classification Sherloc (09022015). Collection method: clinical testing. Allele origin: germline.
Comment: This sequence change replaces serine with phenylalanine at codon 41 of the TSFM protein (p.Ser41Phe). The serine residue is moderately conserved and there is a large physicochemical difference between serine and phenylalanine. This variant is not present in population databases (ExAC no frequency). This variant has not been reported in the literature in individuals with TSFM-related conditions. Algorithms developed to predict the effect of missense changes on protein structure and function (SIFT, PolyPhen-2, Align-GVGD) all suggest that this variant is likely to be tolerated, but these predictions have not been confirmed by published functional studies and their clinical significance is uncertain. In summary, the available evidence is currently insufficient to determine the role of this variant in disease. Therefore, it has been classified as a Variant of Uncertain Significance.